The following is an entry in ClinVar:

NM_000504.4(F10):c.200C>T (p.Ala67Val)

Genes: F10 (coagulation factor X; plus strand), F10-AS1 (F10 antisense RNA 1; minus strand). Cytogenetic location: 13q34.
Variant type: single nucleotide variant.
Coding change: c.200C>T on transcript NM_000504.4 (MANE Select); coding-DNA position 200, C replaced by T.
Protein change: p.Ala67Val; replaces alanine 67 with valine.
Molecular consequence: missense variant.
Genome position (GRCh38, 1-based): chr13:113,129,581, C>T. VCF-style: chr13-113129581-C-T. GRCh37 (hg19) VCF-style: chr13-113783895-C-T.
Other names: c.200C>T, p.Ala67Val (NM_001312674.2, NM_001312675.2); short protein forms A67V.
Identifiers: ClinVar variation 3350963 (VCV003350963.2).

ClinVar aggregate classification (germline): Uncertain significance. Review status: criteria provided, single submitter (1 of 4 stars). 2 submissions from 2 submitters: Uncertain significance (1). 1 of the submissions does not count toward it. Last evaluated 2024-10-01.

Conditions:
F10-related disorder. Also called: F10-related condition.

gnomAD v4.1: 130 of 1,614,078 alleles (0.0081%); highest among the groups gnomAD compares: Non-Finnish European, 0.0088%; 1 homozygote.

Submissions (2):

GeneDx
Classification: Uncertain significance. Last evaluated: 2024-10-01. Review status: criteria provided, single submitter. Criteria: GeneDx Variant Classification Process June 2021. Collection method: clinical testing. Allele origin: germline. Affected: yes.
Comment: In silico analysis supports that this missense variant has a deleterious effect on protein structure/function; Has not been previously published as pathogenic or benign to our knowledge

PreventionGenetics, part of Exact Sciences
Classification: Uncertain significance for F10-related condition. Last evaluated: 2024-03-29. Review status: no assertion criteria provided. Collection method: clinical testing. Allele origin: germline. Not counted in ClinVar's aggregate classification.
Comment: The F10 c.200C>T variant is predicted to result in the amino acid substitution p.Ala67Val. The p.Ala67Val variant was previously reported in an individual with factor 10 deficiency; however, no additional evidence was presented for pathogenicity (Zsuzsanna et al. 2019. Blood. 134(1). 2394. DOI 10.1182/blood-2019-125504). This variant is reported in 0.048% of alleles in individuals of European (Finnish) descent in gnomAD. At this time, the clinical significance of this variant is uncertain due to the absence of conclusive functional and genetic evidence.